The following is an entry in ClinVar:

NM_001365536.1(SCN9A):c.381A>T (p.Leu127Phe)

Gene: SCN9A (sodium voltage-gated channel alpha subunit 9; minus strand). Cytogenetic location: 2q24.3.
Variant type: single nucleotide variant.
Coding change: c.381A>T on transcript NM_001365536.1 (MANE Select); coding-DNA position 381, A replaced by T.
Protein change: p.Leu127Phe; replaces leucine 127 with phenylalanine.
Molecular consequence: missense variant.
Genome position (GRCh38, 1-based): chr2:166,306,596, T>A on the plus strand (A>T on the coding strand, the complement: SCN9A is on the minus strand). VCF-style: chr2-166306596-T-A. GRCh37 (hg19) VCF-style: chr2-167163106-T-A.
Other names: c.381A>T, p.Leu127Phe (NM_002977.4); short protein forms L127F.
Identifiers: ClinVar variation 654546 (VCV000654546.9), dbSNP rs1574906679, ClinGen allele CA349095488.

ClinVar aggregate classification (germline): Uncertain significance (1 of 4 stars; one submission).

Conditions:
Neuropathy, hereditary sensory and autonomic, type 2A (HSAN2A). Also called: HSAN IIA; MORVAN DISEASE; NEUROPATHY, CONGENITAL SENSORY; NEUROPATHY, HEREDITARY SENSORY RADICULAR, AUTOSOMAL RECESSIVE; NEUROPATHY, HEREDITARY SENSORY, TYPE IIA; NEUROPATHY, PROGRESSIVE SENSORY, OF CHILDREN. Identifiers: Orphanet 970, MedGen C2752089, MONDO:0024309, OMIM 201300.
Generalized epilepsy with febrile seizures plus, type 7 (GEFSP7). Also called: GEFS+, TYPE 7. Identifiers: Orphanet 36387, MedGen C2751778, MONDO:0013470, OMIM 613863.

Allele frequency attached by ClinVar (database versions not stated): gnomAD exomes 0.00001.
gnomAD v4.1: 3 of 1,564,994 alleles (0.00019%); highest among the groups gnomAD compares: East Asian, 0.0023%; no homozygotes.

Submission:

Labcorp Genetics (formerly Invitae), Labcorp
Classification: Uncertain significance for Neuropathy, hereditary sensory and autonomic, type 2A; Generalized epilepsy with febrile seizures plus, type 7. Last evaluated: 2024-10-09. Review status: criteria provided, single submitter. Criteria: Invitae Variant Classification Sherloc (09022015). Collection method: clinical testing. Allele origin: germline.
Comment: This sequence change replaces leucine, which is neutral and non-polar, with phenylalanine, which is neutral and non-polar, at codon 127 of the SCN9A protein (p.Leu127Phe). This variant is not present in population databases (gnomAD no frequency). This variant has not been reported in the literature in individuals affected with SCN9A-related conditions. ClinVar contains an entry for this variant (Variation ID: 654546). Invitae Evidence Modeling of protein sequence and biophysical properties (such as structural, functional, and spatial information, amino acid conservation, physicochemical variation, residue mobility, and thermodynamic stability) indicates that this missense variant is not expected to disrupt SCN9A protein function with a negative predictive value of 95%. Algorithms developed to predict the effect of sequence changes on RNA splicing suggest that this variant may create or strengthen a splice site. In summary, the available evidence is currently insufficient to determine the role of this variant in disease. Therefore, it has been classified as a Variant of Uncertain Significance.